The following is an entry in ClinVar:

NM_000843.4(GRM6):c.746T>C (p.Ile249Thr)

Gene: GRM6 (glutamate metabotropic receptor 6; minus strand). Cytogenetic location: 5q35.3.
Variant type: single nucleotide variant.
Coding change: c.746T>C on transcript NM_000843.4 (MANE Select); coding-DNA position 746, T replaced by C.
Protein change: p.Ile249Thr; replaces isoleucine 249 with threonine.
Molecular consequence: missense variant.
Genome position (GRCh38, 1-based): chr5:178,991,535, A>G on the plus strand (T>C on the coding strand, the complement: GRM6 is on the minus strand). VCF-style: chr5-178991535-A-G. GRCh37 (hg19) VCF-style: chr5-178418536-A-G.
Other names: short protein forms I249T.
Identifiers: ClinVar variation 2634943 (VCV002634943.1), dbSNP rs2480398716, ClinGen allele CA362433263.

ClinVar aggregate classification (germline): Uncertain significance (1 of 4 stars; one submission).

Conditions:
GRM6-related disorder. Also called: GRM6-related condition.

Submission:

PreventionGenetics, part of Exact Sciences
Classification: Uncertain significance for GRM6-related condition. Last evaluated: 2023-03-27. Review status: criteria provided, single submitter. Criteria: ACMG Guidelines, 2015. Collection method: clinical testing. Allele origin: germline.
Comment: The GRM6 c.746T>C variant is predicted to result in the amino acid substitution p.Ile249Thr. To our knowledge, this variant has not been reported in the literature or in a large population database, indicating this variant is rare. At this time, the clinical significance of this variant is uncertain due to the absence of conclusive functional and genetic evidence.